The following is an entry in ClinVar:

NM_005918.4(MDH2):c.173T>C (p.Ile58Thr)

Gene: MDH2 (malate dehydrogenase 2; plus strand). Cytogenetic location: 7q11.23.
Variant type: single nucleotide variant.
Coding change: c.173T>C on transcript NM_005918.4 (MANE Select); coding-DNA position 173, T replaced by C.
Protein change: p.Ile58Thr; replaces isoleucine 58 with threonine.
Molecular consequence: missense variant. On other transcripts: intron variant (1).
Genome position (GRCh38, 1-based): chr7:76,054,936, T>C. VCF-style: chr7-76054936-T-C. GRCh37 (hg19) VCF-style: chr7-75684254-T-C.
Other names: c.173T>C, p.Ile58Thr (NM_001282403.2); c.-86-2474T>C (NM_001282404.2); short protein forms I58T.
Identifiers: ClinVar variation 3225182 (VCV003225182.1), dbSNP rs1284035803, ClinGen allele CA367762549.
Genomic context (GRCh38, chr7:76,054,936, plus strand): 5'-AGCCACTTTCACTTCTCCTGAAGAACAGCCCCTTGGTGAGCCGCCTGACCCTCTATGATA[T>C]CGCGCACACACCCGGAGTGGCCGCAGATCTGAGCCACATCGAGACCAAAGCCGCTGTGAA-3'
Protein context (NP_005909.2, residues 48-68): PLVSRLTLYD[Ile58Thr]AHTPGVAADL

ClinVar aggregate classification (germline): Uncertain significance (1 of 4 stars; one submission).

Conditions:
Inborn genetic diseases. Identifiers: MedGen C0950123, MeSH D030342.

Allele frequency attached by ClinVar (database versions not stated): gnomAD exomes below 0.00001; TOPMed below 0.00001.
gnomAD v4.1: 2 of 1,614,040 alleles (0.00012%); highest among the groups gnomAD compares: Non-Finnish European, 0.00017%; no homozygotes.

Submission:

Ambry Genetics
Classification: Uncertain significance for Inborn genetic diseases. Last evaluated: 2023-12-31. Review status: criteria provided, single submitter. Criteria: Ambry Variant Classification Scheme 2023. Collection method: clinical testing. Allele origin: germline.
Comment: The p.I58T variant (also known as c.173T>C), located in coding exon 2 of the MDH2 gene, results from a T to C substitution at nucleotide position 173. The isoleucine at codon 58 is replaced by threonine, an amino acid with similar properties. This amino acid position is conserved. In addition, this alteration is predicted to be deleterious by in silico analysis. Since supporting evidence is limited at this time, the clinical significance of this alteration remains unclear.